The following is an entry in ClinVar:

ClinVar aggregate classification (germline): Conflicting classifications of pathogenicity. Review status: criteria provided, conflicting classifications (1 of 4 stars). 8 submissions from 8 submitters: Uncertain significance (6); Likely benign (1). 1 of the submissions does not count toward it. Last evaluated 2025-09-24.

Conditions:
APC-related disorder. Also called: APC-related condition.
Hereditary cancer-predisposing syndrome. Also called: Hereditary neoplastic syndrome; Tumor predisposition; Neoplastic Syndromes, Hereditary; Hereditary Cancer Syndrome. Identifiers: Orphanet 140162, MedGen C0027672, MeSH D009386, MONDO:0015356.
Familial adenomatous polyposis 1 (FAP1). Also called: POLYPOSIS, ADENOMATOUS INTESTINAL; FAMILIAL ADENOMATOUS POLYPOSIS 1, ATTENUATED. Identifiers: MedGen C2713442, MONDO:0021056, OMIM 175100. Disease mechanism: loss of function.
Classic or attenuated familial adenomatous polyposis. Identifiers: MedGen CN372698, MONDO:0021057.

Allele frequency attached by ClinVar (database versions not stated): gnomAD exomes 0.00001; ExAC 0.00002.

Submissions (8):

Labcorp Genetics (formerly Invitae), Labcorp
Classification: Uncertain significance for Familial adenomatous polyposis 1. Last evaluated: 2025-09-24. Review status: criteria provided, single submitter. Criteria: Invitae Variant Classification Sherloc (09022015). Collection method: clinical testing. Allele origin: germline.
Comment: This sequence change replaces serine, which is neutral and polar, with threonine, which is neutral and polar, at codon 2183 of the APC protein (p.Ser2183Thr). This variant is present in population databases (rs764180204, gnomAD 0.006%). This variant has not been reported in the literature in individuals affected with APC-related conditions. ClinVar contains an entry for this variant (Variation ID: 572047). Invitae Evidence Modeling of protein sequence and biophysical properties (such as structural, functional, and spatial information, amino acid conservation, physicochemical variation, residue mobility, and thermodynamic stability) indicates that this missense variant is not expected to disrupt APC protein function with a negative predictive value of 95%. In summary, the available evidence is currently insufficient to determine the role of this variant in disease. Therefore, it has been classified as a Variant of Uncertain Significance.

Helix
Classification: Uncertain significance for Familial adenomatous polyposis 1. Last evaluated: 2025-08-30. Review status: criteria provided, single submitter. Criteria: ACMG Guidelines, 2015. Collection method: clinical testing. Allele origin: germline. Inheritance: Autosomal dominant inheritance.
Comment: This variant (NM_000038.6:c.6547T>A p.Ser2183Thr) results in the substitution of serine with threonine at codon 2183 in the APC protein. It is a rare variant that is absent from the large gnomAD population database (v4.1). To our knowledge, this variant has not been reported in individuals with APC-related conditions. In silico prediction from SpliceAI (PMID: 30661751) suggests this variant does not have an impact on splicing. This variant is present in ClinVar (Accession: VCV000572047.21). In conclusion, since the available evidence is limited, the clinical significance of this variant is unclear at this time. Therefore, it is classified as a Variant of Uncertain Significance.

Color Diagnostics, LLC DBA Color Health
Classification: Uncertain significance for Hereditary cancer-predisposing syndrome. Last evaluated: 2024-03-06. Review status: criteria provided, single submitter. Criteria: ACMG Guidelines, 2015. Collection method: clinical testing. Allele origin: germline.
Comment: This missense variant replaces serine with threonine at codon 2183 of the APC protein. Computational prediction suggests that this variant may not impact protein structure and function (internally defined REVEL score threshold <= 0.5, PMID: 27666373). To our knowledge, functional studies have not been performed for this variant. This variant has not been reported in individuals affected with hereditary cancer in the literature. This variant has been identified in 2/249112 chromosomes in the general population by the Genome Aggregation Database (gnomAD). The available evidence is insufficient to determine the role of this variant in disease conclusively. Therefore, this variant is classified as a Variant of Uncertain Significance.

All of Us Research Program, National Institutes of Health
Classification: Uncertain significance for Classic or attenuated familial adenomatous polyposis. Last evaluated: 2024-03-05. Review status: criteria provided, single submitter. Criteria: ACMG Guidelines, 2015. Collection method: clinical testing. Allele origin: germline. Inheritance: Autosomal dominant inheritance. Observed: 1 variant allele, 1 heterozygote.
Comment: This missense variant replaces serine with threonine at codon 2183 of the APC protein. Computational prediction suggests that this variant may not impact protein structure and function (internally defined REVEL score threshold <= 0.5, PMID: 27666373). To our knowledge, functional studies have not been performed for this variant. This variant has not been reported in individuals affected with hereditary cancer in the literature. This variant has been identified in 2/249112 chromosomes in the general population by the Genome Aggregation Database (gnomAD). The available evidence is insufficient to determine the role of this variant in disease conclusively. Therefore, this variant is classified as a Variant of Uncertain Significance.

This study involves interpretation of variants in research participants for the purpose of population health screening. Participant phenotype was not available at the time of variant classification. Additional details can be found in publication PMID: 35346344, PMCID: PMC8962531

Baylor Genetics
Classification: Uncertain significance for Familial adenomatous polyposis 1. Last evaluated: 2024-02-15. Review status: criteria provided, single submitter. Criteria: ACMG Guidelines, 2015. Collection method: clinical testing. Allele origin: unknown.

Ambry Genetics
Classification: Likely benign for Hereditary cancer-predisposing syndrome. Last evaluated: 2023-09-22. Review status: criteria provided, single submitter. Criteria: Ambry Variant Classification Scheme 2023. Collection method: clinical testing. Allele origin: germline.

Quest Diagnostics Nichols Institute San Juan Capistrano
Classification: Uncertain significance. Last evaluated: 2023-03-13. Review status: criteria provided, single submitter. Criteria: Quest Diagnostics criteria. Collection method: clinical testing. Allele origin: unknown.
Comment: To the best of our knowledge, the variant has not been reported in the published literature. The frequency of this variant in the general population, 0.000008 (2/249112 chromosomes), is uninformative in assessment of its pathogenicity. Analysis of this variant using bioinformatics tools for the prediction of the effect of amino acid changes on protein structure and function yielded predictions that this variant is benign. Based on the available information, we are unable to determine the clinical significance of this variant.

PreventionGenetics, part of Exact Sciences
Classification: Uncertain significance for APC-related condition. Last evaluated: 2024-02-14. Review status: no assertion criteria provided. Collection method: clinical testing. Allele origin: germline. Not counted in ClinVar's aggregate classification.
Comment: The APC c.6547T>A variant is predicted to result in the amino acid substitution p.Ser2183Thr. To our knowledge, this variant has not been reported in the literature. This variant is reported in 0.011% of alleles in individuals of East Asian descent in gnomAD. This variant is interpreted as uncertain in ClinVar. At this time, the clinical significance of this variant is uncertain due to the absence of conclusive functional and genetic evidence.

NM_000038.6(APC):c.6547T>A (p.Ser2183Thr)

Gene: APC (APC regulator of Wnt signaling pathway; plus strand). Cytogenetic location: 5q22.2.
Variant type: single nucleotide variant.
Coding change: c.6547T>A on transcript NM_000038.6 (MANE Select); coding-DNA position 6547, T replaced by A.
Protein change: p.Ser2183Thr; replaces serine 2183 with threonine.
Molecular consequence: missense variant.
Genome position (GRCh38, 1-based): chr5:112,842,141, T>A. VCF-style: chr5-112842141-T-A. GRCh37 (hg19) VCF-style: chr5-112177838-T-A.
Other names: c.6547T>A, p.Ser2183Thr (NM_001127510.3, NM_001354895.2); c.6493T>A, p.Ser2165Thr (NM_001127511.3); c.6601T>A, p.Ser2201Thr (NM_001354896.2); c.6577T>A, p.Ser2193Thr (NM_001354897.2); c.6472T>A, p.Ser2158Thr (NM_001354898.2); c.6463T>A, p.Ser2155Thr (NM_001354899.2); c.6424T>A, p.Ser2142Thr (NM_001354900.2); c.6370T>A, p.Ser2124Thr (NM_001354901.2); and 5 more; short protein forms S2165T, S2183T, S2082T, S2158T, S2201T, S2057T, S2142T, S2155T.
Identifiers: ClinVar variation 572047 (VCV000572047.22), dbSNP rs764180204, ClinGen allele CA045306.